The following is an entry in ClinVar:

ClinVar aggregate classification (germline): Uncertain significance (1 of 4 stars; one submission).

Allele frequency attached by ClinVar (database versions not stated): gnomAD exomes below 0.00001.
gnomAD v4.1: 1 of 1,611,880 alleles (0.000062%); highest among the groups gnomAD compares: South Asian, 0.0011%; no homozygotes.

Submission:

Labcorp Genetics (formerly Invitae), Labcorp
Classification: Uncertain significance. Last evaluated: 2023-05-18. Review status: criteria provided, single submitter. Criteria: Invitae Variant Classification Sherloc (09022015). Collection method: clinical testing. Allele origin: germline.
Comment: An algorithm developed to predict the effect of missense changes on protein structure and function (PolyPhen-2) suggests that this variant is likely to be disruptive. This variant has not been reported in the literature in individuals affected with COL4A1-related conditions. This variant is not present in population databases (gnomAD no frequency). This sequence change replaces glutamine, which is neutral and polar, with glutamic acid, which is acidic and polar, at codon 1382 of the COL4A1 protein (p.Gln1382Glu). In summary, the available evidence is currently insufficient to determine the role of this variant in disease. Therefore, it has been classified as a Variant of Uncertain Significance.

NM_001845.6(COL4A1):c.4144C>G (p.Gln1382Glu)

Gene: COL4A1 (collagen type IV alpha 1 chain; minus strand). Cytogenetic location: 13q34.
Variant type: single nucleotide variant.
Coding change: c.4144C>G on transcript NM_001845.6 (MANE Select); coding-DNA position 4144, C replaced by G.
Protein change: p.Gln1382Glu; replaces glutamine 1382 with glutamic acid.
Molecular consequence: missense variant.
Genome position (GRCh38, 1-based): chr13:110,164,868, G>C on the plus strand (C>G on the coding strand, the complement: COL4A1 is on the minus strand). VCF-style: chr13-110164868-G-C. GRCh37 (hg19) VCF-style: chr13-110817215-G-C.
Other names: short protein forms Q1382E.
Identifiers: ClinVar variation 2915122 (VCV002915122.3), dbSNP rs571328340, ClinGen allele CA256247656.